The following is an entry in ClinVar:

ClinVar aggregate classification (germline): Uncertain significance (1 of 4 stars; one submission).

Conditions:
Hereditary breast ovarian cancer syndrome. Also called: Hereditary breast and ovarian cancer syndrome (HBOC); Hereditary breast and ovarian cancer syndrome; Hereditary breast and/or ovarian cancer syndrome; Hereditary breast and ovarian cancer; Breast and ovarian cancer; BRCA1- and BRCA2-Associated Hereditary Breast and Ovarian Cancer. Identifiers: Orphanet 145, MedGen C0677776, MeSH D061325, MONDO:0003582. Disease mechanism: loss of function.

Submission:

Labcorp Genetics (formerly Invitae), Labcorp
Classification: Uncertain significance for Hereditary breast ovarian cancer syndrome. Last evaluated: 2023-06-30. Review status: criteria provided, single submitter. Criteria: Invitae Variant Classification Sherloc (09022015). Collection method: clinical testing. Allele origin: germline.
Comment: Advanced modeling of protein sequence and biophysical properties (such as structural, functional, and spatial information, amino acid conservation, physicochemical variation, residue mobility, and thermodynamic stability) performed at Invitae indicates that this missense variant is not expected to disrupt BRCA2 protein function. This variant has not been reported in the literature in individuals affected with BRCA2-related conditions. This variant is not present in population databases (gnomAD no frequency). This sequence change replaces isoleucine, which is neutral and non-polar, with phenylalanine, which is neutral and non-polar, at codon 1772 of the BRCA2 protein (p.Ile1772Phe). In summary, the available evidence is currently insufficient to determine the role of this variant in disease. Therefore, it has been classified as a Variant of Uncertain Significance.

NM_000059.4(BRCA2):c.5314A>T (p.Ile1772Phe)

Gene: BRCA2 (BRCA2 DNA repair associated; plus strand). Cytogenetic location: 13q13.1.
Variant type: single nucleotide variant.
Coding change: c.5314A>T on transcript NM_000059.4 (MANE Select); coding-DNA position 5314, A replaced by T.
Protein change: p.Ile1772Phe; replaces isoleucine 1772 with phenylalanine.
Molecular consequence: missense variant. On other transcripts: non-coding transcript variant (1), intron variant (2).
Genome position (GRCh38, 1-based): chr13:32,339,669, A>T. VCF-style: chr13-32339669-A-T. GRCh37 (hg19) VCF-style: chr13-32913806-A-T.
Other names: c.5314A>T, p.Ile1772Phe (NM_001406719.1, NM_001406720.1); c.1910-4889A>T (NM_001406721.1); c.425-4889A>T (NM_001406722.1); short protein forms I1772F.
Identifiers: ClinVar variation 2858715 (VCV002858715.3), dbSNP rs1566232197, ClinGen allele CA387784873.